The following is an entry in ClinVar:

NM_005188.4(CBL):c.1162G>C (p.Asp388His)

Gene: CBL (Cbl proto-oncogene; plus strand). Cytogenetic location: 11q23.3.
Variant type: single nucleotide variant.
Coding change: c.1162G>C on transcript NM_005188.4 (MANE Select); coding-DNA position 1162, G replaced by C.
Protein change: p.Asp388His; replaces aspartic acid 388 with histidine.
Molecular consequence: missense variant.
Genome position (GRCh38, 1-based): chr11:119,278,232, G>C. VCF-style: chr11-119278232-G-C. GRCh37 (hg19) VCF-style: chr11-119148942-G-C.
Other names: short protein forms D388H.
Identifiers: ClinVar variation 3827783 (VCV003827783.1).

ClinVar aggregate classification (germline): Uncertain significance (1 of 4 stars; one submission).

Conditions:
Cardiovascular phenotype. Identifiers: MedGen CN230736.

gnomAD v4.1: 1 of 1,612,604 alleles (0.000062%); highest among the groups gnomAD compares: Non-Finnish European, 0.000085%; no homozygotes.

Submission:

Ambry Genetics
Classification: Uncertain significance for Cardiovascular phenotype. Last evaluated: 2024-12-20. Review status: criteria provided, single submitter. Criteria: Ambry Variant Classification Scheme 2023. Collection method: clinical testing. Allele origin: germline.
Comment: The p.D388H variant (also known as c.1162G>C), located in coding exon 8 of the CBL gene, results from a G to C substitution at nucleotide position 1162. The aspartic acid at codon 388 is replaced by histidine, an amino acid with similar properties. This amino acid position is conserved. In addition, this alteration is predicted to be deleterious by in silico analysis. Based on the available evidence, the clinical significance of this variant remains unclear.